The following is an entry in ClinVar:

ClinVar aggregate classification (germline): Uncertain significance (1 of 4 stars; one submission).

Conditions:
Jeune thoracic dystrophy. Also called: Short-rib thoracic dysplasia; Jeune syndrome; Infantile thoracic dystrophy; Thoracic pelvic phalangeal dystrophy; Jeune's syndrome; Chondroectodermal dysplasia-like syndrome. Identifiers: Orphanet 474, MedGen C0265275, MONDO:0018770.

gnomAD v4.1: 4 of 1,497,594 alleles (0.00027%); highest among the groups gnomAD compares: African/African-American, 0.0028%; no homozygotes.

Submission:

Labcorp Genetics (formerly Invitae), Labcorp
Classification: Uncertain significance for Jeune thoracic dystrophy. Last evaluated: 2025-09-02. Review status: criteria provided, single submitter. Criteria: Invitae Variant Classification Sherloc (09022015). Collection method: clinical testing. Allele origin: germline.
Comment: This sequence change replaces tyrosine, which is neutral and polar, with histidine, which is basic and polar, at codon 2833 of the DYNC2H1 protein (p.Tyr2833His). This variant is not present in population databases (gnomAD no frequency). This variant has not been reported in the literature in individuals affected with DYNC2H1-related conditions. Invitae Evidence Modeling of protein sequence and biophysical properties (such as structural, functional, and spatial information, amino acid conservation, physicochemical variation, residue mobility, and thermodynamic stability) indicates that this missense variant is not expected to disrupt DYNC2H1 protein function with a negative predictive value of 95%. In summary, the available evidence is currently insufficient to determine the role of this variant in disease. Therefore, it has been classified as a Variant of Uncertain Significance.

NM_001377.3(DYNC2H1):c.8497T>C (p.Tyr2833His)

Gene: DYNC2H1 (dynein cytoplasmic 2 heavy chain 1; plus strand). Cytogenetic location: 11q22.3.
Variant type: single nucleotide variant.
Coding change: c.8497T>C on transcript NM_001377.3 (MANE Select); coding-DNA position 8497, T replaced by C.
Protein change: p.Tyr2833His; replaces tyrosine 2833 with histidine.
Molecular consequence: missense variant.
Genome position (GRCh38, 1-based): chr11:103,209,918, T>C. VCF-style: chr11-103209918-T-C. GRCh37 (hg19) VCF-style: chr11-103080647-T-C.
Other names: c.8497T>C, p.Tyr2833His (NM_001080463.2); short protein forms Y2833H.
Identifiers: ClinVar variation 4690476 (VCV004690476.1).